The following is an entry in ClinVar:

NM_000018.4(ACADVL):c.633_645del (p.Val211_Ala212insTer)

Gene: ACADVL (acyl-CoA dehydrogenase very long chain; plus strand). Cytogenetic location: 17p13.1.
Variant type: Deletion.
Coding change: c.633_645del on transcript NM_000018.4 (MANE Select); coding-DNA positions 633 to 645, 13 bases deleted (GGCCGCTTTCTGT).
Protein change: p.Val211_Ala212insTer.
Molecular consequence: frameshift variant.
Genome position (GRCh38, 1-based): chr17:7,221,962-7,221,974, GGCCGCTTTCTGT deleted; deleting any 13 consecutive bases within chr17:7,221,958-7,221,974 gives the same sequence; the c. name uses the placement nearest the transcript's 3' end. VCF-style (leftmost placement, unchanged base first): chr17-7221957-ACTGTGGCCGCTTT-A. GRCh37 (hg19) VCF-style: chr17-7125276-ACTGTGGCCGCTTT-A.
Other names: c.567_579del, p.Val189_Ala190insTer (NM_001033859.3); c.702_714del, p.Val234_Ala235insTer (NM_001270447.2); c.405_417del, p.Val135_Ala136insTer (NM_001270448.2).
Identifiers: ClinVar variation 4817441 (VCV004817441.1).

ClinVar aggregate classification (germline): Likely pathogenic (1 of 4 stars; one submission).

Conditions:
Very long chain acyl-CoA dehydrogenase deficiency (ACADVLD). Also called: Very Long-Chain Acyl-Coenzyme A Dehydrogenase Deficiency; VLCAD Deficiency. Identifiers: Orphanet 26793, MedGen C3887523, MONDO:0008723, OMIM 201475.

Submission:

Natera, Inc.
Classification: Likely pathogenic for Very long chain acyl-CoA dehydrogenase deficiency. Last evaluated: 2025-12-01. Review status: criteria provided, single submitter. Criteria: Natera Variant Classification Schema (03/2026). Collection method: clinical testing. Allele origin: germline.
Comment: The c.633_645del variant in ACADVL is a frameshift variant predicted to shift the reading frame and introduce a stop codon. This variant is expected to result in nonsense mediated decay, truncation, or a dysfunctional protein product. This variant is rare in the general population with a frequency below the threshold expected for the associated phenotype(s). Given the available evidence, this variant is classified as Likely Pathogenic.